The following is an entry in ClinVar:

NM_000094.4(COL7A1):c.505A>G (p.Lys169Glu)

Gene: COL7A1 (collagen type VII alpha 1 chain; minus strand). Cytogenetic location: 3p21.31.
Variant type: single nucleotide variant.
Coding change: c.505A>G on transcript NM_000094.4 (MANE Select); coding-DNA position 505, A replaced by G.
Protein change: p.Lys169Glu; replaces lysine 169 with glutamic acid.
Molecular consequence: missense variant.
Genome position (GRCh38, 1-based): chr3:48,593,371, T>C on the plus strand (A>G on the coding strand, the complement: COL7A1 is on the minus strand). VCF-style: chr3-48593371-T-C. GRCh37 (hg19) VCF-style: chr3-48630804-T-C.
Other names: short protein forms K169E.
Identifiers: ClinVar variation 2134558 (VCV002134558.4), dbSNP rs2531347043, ClinGen allele CA352746377.

ClinVar aggregate classification (germline): Uncertain significance (1 of 4 stars; one submission).

Submission:

Labcorp Genetics (formerly Invitae), Labcorp
Classification: Uncertain significance. Last evaluated: 2022-08-22. Review status: criteria provided, single submitter. Criteria: Invitae Variant Classification Sherloc (09022015). Collection method: clinical testing. Allele origin: germline.
Comment: This variant has not been reported in the literature in individuals affected with COL7A1-related conditions. This sequence change replaces lysine, which is basic and polar, with glutamic acid, which is acidic and polar, at codon 169 of the COL7A1 protein (p.Lys169Glu). This variant is not present in population databases (gnomAD no frequency). Algorithms developed to predict the effect of missense changes on protein structure and function are either unavailable or do not agree on the potential impact of this missense change (SIFT: "Deleterious"; PolyPhen-2: "Not Available"; Align-GVGD: "Class C0"). In summary, the available evidence is currently insufficient to determine the role of this variant in disease. Therefore, it has been classified as a Variant of Uncertain Significance.